The following is an entry in ClinVar:

ClinVar aggregate classification (germline): Conflicting classifications of pathogenicity. Review status: criteria provided, conflicting classifications (1 of 4 stars). 3 submissions from 3 submitters: Likely pathogenic (1); Uncertain significance (2). Last evaluated 2025-08-22.

Conditions:
RBBP8-related disorder. Also called: RBBP8-Related Disorders; RBBP8-related condition. Identifiers: MedGen CN239300.

Submissions (3):

PreventionGenetics, part of Exact Sciences
Classification: Likely pathogenic for RBBP8-related condition. Last evaluated: 2025-08-22. Review status: criteria provided, single submitter. Criteria: ACMG Guidelines, 2015. Collection method: clinical testing. Allele origin: germline.
Comment: The RBBP8 c.1071dupA variant is predicted to result in a frameshift and premature protein termination (p.His358Thrfs*8). This variant has been reported in the heterozygous state in an individual with breast or ovarian cancer, although the association of RBBP8 with cancer is not well established (Table S7, Bonache et al. 2018. PubMed ID: 30306255). This variant is reported in 0.021% of alleles in individuals of Ashkenazi Jewish descent in gnomAD. Frameshift variants in RBBP8 are expected to be pathogenic for autosomal recessive disorders. This variant is interpreted as likely pathogenic.

Blueprint Genetics
Classification: Uncertain significance. Last evaluated: 2024-08-23. Review status: criteria provided, single submitter. Criteria: ACMG Guidelines, 2015. Collection method: clinical testing. Allele origin: germline.

Labcorp Genetics (formerly Invitae), Labcorp
Classification: Uncertain significance. Last evaluated: 2022-07-06. Review status: criteria provided, single submitter. Criteria: Invitae Variant Classification Sherloc (09022015). Collection method: clinical testing. Allele origin: germline.
Comment: This sequence change creates a premature translational stop signal (p.His358Thrfs*8) in the RBBP8 gene. It is expected to result in an absent or disrupted protein product. However, the current clinical and genetic evidence is not sufficient to establish whether loss-of-function variants in RBBP8 cause disease. The frequency data for this variant in the population databases is considered unreliable, as metrics indicate poor data quality at this position in the gnomAD database. This variant has not been reported in the literature in individuals affected with RBBP8-related conditions. ClinVar contains an entry for this variant (Variation ID: 631795). In summary, the available evidence is currently insufficient to determine the role of this variant in disease. Therefore, it has been classified as a Variant of Uncertain Significance.

NM_002894.3(RBBP8):c.1071dup (p.His358fs)

Gene: RBBP8 (RB binding protein 8, endonuclease; plus strand). Cytogenetic location: 18q11.2.
Variant type: Duplication.
Coding change: c.1071dup on transcript NM_002894.3 (MANE Select); coding-DNA position 1071, one base duplicated (A; older notation c.1071dupA).
Protein change: p.His358fs; shifts the reading frame from histidine 358.
Molecular consequence: frameshift variant.
Genome position (GRCh38, 1-based): chr18:22,992,898, A duplicated; the last of 9 consecutive A bases (chr18:22,992,890-22,992,898); duplicating any one gives the same sequence. VCF-style (leftmost placement, unchanged base first): chr18-22992889-G-GA. GRCh37 (hg19) VCF-style: chr18-20572852-G-GA.
Other names: c.1071dup, p.His358fs (NM_203291.2, NM_203292.2); short protein forms H358fs.
Identifiers: ClinVar variation 631795 (VCV000631795.8), dbSNP rs754547584, ClinGen allele CA8910012.